The following is an entry in ClinVar:

ClinVar aggregate classification (germline): Conflicting classifications of pathogenicity. Review status: criteria provided, conflicting classifications (1 of 4 stars). 6 submissions from 6 submitters: Uncertain significance (3); Likely benign (3). Last evaluated 2026-09-01.

Conditions:
Cardiovascular phenotype. Identifiers: MedGen CN230736.
Dilated cardiomyopathy 1HH (CMD1HH). Identifiers: Orphanet 154, MedGen C3151293, MONDO:0013479, OMIM 613881.
Myofibrillar myopathy 6. Identifiers: Orphanet 199340, MedGen C2751831, MONDO:0013061, OMIM 612954.

Allele frequency attached by ClinVar (database versions not stated): ExAC 0.00002; gnomAD exomes 0.00003 and 0.00004; gnomAD 0.00004; TOPMed 0.00004; ESP Exome Variant Server 0.00008.
gnomAD v4.1: 45 of 1,614,086 alleles (0.0028%); highest among the groups gnomAD compares: Middle Eastern, 0.049%; no homozygotes.

Submissions (6):

CeGaT Center for Human Genetics Tuebingen
Classification: Likely benign. Last evaluated: 2026-09-01. Review status: criteria provided, single submitter. Criteria: CeGaT Center For Human Genetics Tuebingen Variant Classification Criteria Version 2. Collection method: clinical testing. Allele origin: germline. Affected: yes. Observed: 1 variant allele.
Comment: BAG3: BP4

Labcorp Genetics (formerly Invitae), Labcorp
Classification: Uncertain significance for Dilated cardiomyopathy 1HH; Myofibrillar myopathy 6. Last evaluated: 2026-01-28. Review status: criteria provided, single submitter. Criteria: Invitae Variant Classification Sherloc (09022015). Collection method: clinical testing. Allele origin: germline.
Comment: This sequence change replaces glutamine, which is neutral and polar, with glutamic acid, which is acidic and polar, at codon 227 of the BAG3 protein (p.Gln227Glu). This variant is present in population databases (rs149517238, gnomAD 0.007%). This variant has not been reported in the literature in individuals affected with BAG3-related conditions. ClinVar contains an entry for this variant (Variation ID: 264497). Invitae Evidence Modeling of protein sequence and biophysical properties (such as structural, functional, and spatial information, amino acid conservation, physicochemical variation, residue mobility, and thermodynamic stability) indicates that this missense variant is not expected to disrupt BAG3 protein function with a negative predictive value of 80%. In summary, the available evidence is currently insufficient to determine the role of this variant in disease. Therefore, it has been classified as a Variant of Uncertain Significance.

Molecular Diagnostic Laboratory for Inherited Cardiovascular Disease, Montreal Heart Institute
Classification: Likely benign. Last evaluated: 2025-04-09. Review status: criteria provided, single submitter. Criteria: ACMG Guidelines, 2015. Collection method: clinical testing. Allele origin: germline. Affected: no.
Comment: BP4

Ambry Genetics
Classification: Uncertain significance for Cardiovascular phenotype. Last evaluated: 2025-02-05. Review status: criteria provided, single submitter. Criteria: Ambry Variant Classification Scheme 2023. Collection method: clinical testing. Allele origin: germline.
Comment: The p.Q227E variant (also known as c.679C>G), located in coding exon 3 of the BAG3 gene, results from a C to G substitution at nucleotide position 679. The glutamine at codon 227 is replaced by glutamic acid, an amino acid with highly similar properties. This amino acid position is well conserved in available vertebrate species. In addition, the in silico prediction for this alteration is inconclusive. Since supporting evidence is limited at this time, the clinical significance of this alteration remains unclear.

Blueprint Genetics
Classification: Uncertain significance. Last evaluated: 2024-03-13. Review status: criteria provided, single submitter. Criteria: ACMG Guidelines, 2015. Collection method: clinical testing. Allele origin: germline.

GeneDx
Classification: Likely benign. Last evaluated: 2020-02-20. Review status: criteria provided, single submitter. Criteria: GeneDx Variant Classification Process June 2021. Collection method: clinical testing. Allele origin: germline. Affected: yes.

NM_004281.4(BAG3):c.679C>G (p.Gln227Glu)

Gene: BAG3 (BAG cochaperone 3; plus strand). Cytogenetic location: 10q26.11.
Variant type: single nucleotide variant.
Coding change: c.679C>G on transcript NM_004281.4 (MANE Select); coding-DNA position 679, C replaced by G.
Protein change: p.Gln227Glu; replaces glutamine 227 with glutamic acid.
Molecular consequence: missense variant.
Genome position (GRCh38, 1-based): chr10:119,672,426, C>G. VCF-style: chr10-119672426-C-G. GRCh37 (hg19) VCF-style: chr10-121431938-C-G.
Other names: short protein forms Q227E.
Identifiers: ClinVar variation 264497 (VCV000264497.15), dbSNP rs149517238, ClinGen allele CA5716393.